The following is an entry in ClinVar:

NM_001134407.3(GRIN2A):c.415-89902G>A

Gene: GRIN2A (glutamate ionotropic receptor NMDA type subunit 2A; minus strand). Cytogenetic location: 16p13.2.
Variant type: single nucleotide variant.
Coding change: c.415-89902G>A on transcript NM_001134407.3 (MANE Select); 89902 bases into the intron before coding-DNA position 415, G replaced by A.
Molecular consequence: intron variant.
Genome position (GRCh38, 1-based): chr16:10,028,453, C>T on the plus strand (G>A on the coding strand, the complement: GRIN2A is on the minus strand). VCF-style: chr16-10028453-C-T. GRCh37 (hg19) VCF-style: chr16-10122310-C-T.
Other names: c.415-89902G>A (NM_001134408.2, NM_000833.5).
Identifiers: ClinVar variation 1341865 (VCV001341865.1), dbSNP rs2141916983, ClinGen allele CA2573054132.
Genomic context (GRCh38, chr16:10,028,453, plus strand): 5'-AGGCAGCTGCCCAGCCATGGACACTTCCCAGCACCTCTGCATCTGGGTGTAGCCATGTGA[C>T]TCGTTCATCCAACAGGATGTGGGCCAGAGTTTTGGAGAGATAGGACACCCTTTCTTCTCT-3'

ClinVar aggregate classification (germline): Uncertain significance (1 of 4 stars; one submission).

Conditions:
Landau-Kleffner syndrome (FESD). Also called: APHASIA, ACQUIRED, WITH EPILEPSY; EPILEPSY, FOCAL, WITH SPEECH DISORDER AND WITH OR WITHOUT MENTAL RETARDATION. Identifiers: Orphanet 1945, Orphanet 725, Orphanet 98818, MedGen C0282512, MONDO:0009509, OMIM 245570.

Submission:

New York Genome Center
Classification: Uncertain significance for Landau-Kleffner syndrome. Last evaluated: 2021-02-09. Review status: criteria provided, single submitter. Criteria: NYGC Assertion Criteria 2020. Collection method: clinical testing. Allele origin: inherited. Observed: 1 heterozygote. Study: CSER-NYCKidSeq.
Comment: The deep intronic inherited c.415-89902G>A variant identified in the GRIN2A gene substitutes a moderately conserved Guanine for Adenine (Cytosine for Thymine at the DNA level) within intron 3/13. This variant is absent from gnomAD(v3.1) suggesting it is not a common benign variant in the populations represented in that database. In silico algorithms do not agree on the effect of this variant, as SpliceAI suggest no alteration to splicing, while the Transcript inferred Pathogenicity Score (TraP score) is 0.19, which is >90% score-percentile, suggesting this variant is possibly damaging to splicing. This variant is absent from ClinVar and to our current knowledge has not been reported in affected individuals in the literature. Given the lack of compelling evidence for its pathogenicity, the inherited c.415-89902G>A variant identified in the GRIN2A gene is reported as a Variant of Uncertain Significance